The following is an entry in ClinVar:

ClinVar aggregate classification (germline): Uncertain significance (1 of 4 stars; one submission).

Submission:

Labcorp Genetics (formerly Invitae), Labcorp
Classification: Uncertain significance. Last evaluated: 2025-02-26. Review status: criteria provided, single submitter. Criteria: Invitae Variant Classification Sherloc (09022015). Collection method: clinical testing. Allele origin: germline.
Comment: This sequence change replaces asparagine, which is neutral and polar, with aspartic acid, which is acidic and polar, at codon 1548 of the SON protein (p.Asn1548Asp). This variant is not present in population databases (gnomAD no frequency). This variant has not been reported in the literature in individuals affected with SON-related conditions. An algorithm developed to predict the effect of missense changes on protein structure and function outputs the following: PolyPhen-2: "Benign". The aspartic acid amino acid residue is found in multiple mammalian species, which suggests that this missense change does not adversely affect protein function. In summary, the available evidence is currently insufficient to determine the role of this variant in disease. Therefore, it has been classified as a Variant of Uncertain Significance.

NM_138927.4(SON):c.4642A>G (p.Asn1548Asp)

Gene: SON (SON DNA and RNA binding protein; plus strand). Cytogenetic location: 21q22.11.
Variant type: single nucleotide variant.
Coding change: c.4642A>G on transcript NM_138927.4 (MANE Select); coding-DNA position 4642, A replaced by G.
Protein change: p.Asn1548Asp; replaces asparagine 1548 with aspartic acid.
Molecular consequence: missense variant. On other transcripts: non-coding transcript variant (1), intron variant (1).
Genome position (GRCh38, 1-based): chr21:33,553,873, A>G. VCF-style: chr21-33553873-A-G. GRCh37 (hg19) VCF-style: chr21-34926179-A-G.
Other names: c.4642A>G, p.Asn1548Asp (NM_001291411.2, NM_032195.3); c.245-3283A>G (NM_001291412.3); short protein forms N1548D.
Identifiers: ClinVar variation 4774776 (VCV004774776.1).